The following is an entry in ClinVar:

ClinVar aggregate classification (germline): Pathogenic/Likely pathogenic. Review status: criteria provided, multiple submitters, no conflicts (2 of 4 stars). 6 submissions from 6 submitters: Pathogenic (4); Likely pathogenic (2). Last evaluated 2025-12-02.

Conditions:
Xeroderma pigmentosum (XP). Identifiers: Orphanet 910, MedGen C0043346, MONDO:0019600.
Cerebrooculofacioskeletal syndrome 2 (COFS2). Identifiers: MedGen C1853102, MONDO:0012553, OMIM 610756.
ERCC2-related disorder. Also called: ERCC2-related conditions; ERCC2-related condition; ERCC2-related disorders. Identifiers: MedGen CN239291.

Submissions (6):

Labcorp Genetics (formerly Invitae), Labcorp
Classification: Pathogenic. Last evaluated: 2025-12-02. Review status: criteria provided, single submitter. Criteria: Invitae Variant Classification Sherloc (09022015). Collection method: clinical testing. Allele origin: germline.
Comment: This sequence change creates a premature translational stop signal (Splice site) in the ERCC2 gene. While this is not anticipated to result in nonsense mediated decay, it is expected to disrupt the last 30 amino acid(s) of the ERCC2 protein. This variant is present in population databases (no rsID available, gnomAD 0.002%). This premature translational stop signal has been observed in individual(s) with trichothiodystrophy (PMID: 7920640, 18470933). In at least one individual the data is consistent with being in trans (on the opposite chromosome) from a pathogenic variant. This variant is also known as c.2190+1del, -G frameshift at 2268. ClinVar contains an entry for this variant (Variation ID: 1511660). Algorithms developed to predict the effect of sequence changes on RNA splicing suggest that this variant may disrupt the consensus splice site. For these reasons, this variant has been classified as Pathogenic.

GeneDx
Classification: Pathogenic. Last evaluated: 2025-07-15. Review status: criteria provided, single submitter. Criteria: GeneDx Variant Classification Process June 2021. Collection method: clinical testing. Allele origin: germline. Affected: yes.
Comment: Published functional studies demonstrate a damaging effect as the c.2190+1delG variant causes a frameshift which results in the C-terminal being 30 amino acids out of frame and produces a stop codon 14 amino acids downstream of the variant (PMID: 7920640); Canonical splice site variant predicted to result in an in-frame loss of the adjacent exon in a gene for which loss of function is a known mechanism of disease; Not observed at significant frequency in large population cohorts (gnomAD); This variant is associated with the following publications: (PMID: 38216115, 7920640)

Myriad Genetics, Inc.
Classification: Likely pathogenic for ERCC2-related disorder. Last evaluated: 2025-04-22. Review status: criteria provided, single submitter. Criteria: Myriad Autosomal Dominant, Autosomal Recessive and X-Linked Classification Criteria (2023). Collection method: clinical testing. Allele origin: unknown.
Comment: NM_000400.3(ERCC2):c.2190+1delG is a variant in a canonical splice site classified as likely pathogenic in the context of ERCC2-related disorders. c.2190+1delG has been observed in cases with relevant disease (PMID: 7920640, 39976384, 35615778). Relevant functional assessments of this variant are available in the literature (PMID: 7920640). c.2190+1delG has been observed in referenced population frequency databases. In summary, NM_000400.3(ERCC2):c.2190+1delG is a variant in a canonical splice site that has been observed more frequently in cases with the relevant disease than in healthy populations. Please note: this variant was assessed in the context of healthy population screening.

Women's Health and Genetics/Laboratory Corporation of America, LabCorp
Classification: Pathogenic for Xeroderma pigmentosum. Last evaluated: 2024-08-12. Review status: criteria provided, single submitter. Criteria: LabCorp Variant Classification Summary - May 2015. Collection method: clinical testing. Allele origin: germline.
Comment: Variant summary: ERCC2 c.2190+1delG is located in a canonical splice-site within the last intron and is predicted to affect mRNA splicing resulting in a significantly altered protein due to either exon skipping, shortening, or inclusion of intronic material. Variants that disrupt the consensus splice site are a relatively common cause of aberrant splicing and loss of ERCC2 function. Several computational tools predict a significant impact on normal splicing: Four predict the variant abolishes the canonical 5' splicing donor site and predict the variant creates a new 5' donor site one nucleotide upstream. However, these predictions have yet to be confirmed by functional studies. The variant allele was found at a frequency of 4e-06 in 250330 control chromosomes. c.2190+1delG is also described with varying legacy naming conventions including c.2189delG (Cleaver_1999), c.2190delG (Boyle_2008) and "-G frameshift at position 2268" (Broughton_1994) and the translational impact has been reported as "p.E731Rfs*14". This variant has been reported in the literature in the compound heterozygous state in at least four individuals affected with Xeroderma Pigmentosum, two of whom had an unexpressed second allele that was not identified, and in one compound heterozygous individual with early-onset bilateral cataracts (e.g. Broughton_1994, Boyle_2008, Ioannidis_2022, Fox_2024). These data indicate that the variant is likely to be associated with disease. To our knowledge, no experimental evidence demonstrating an impact on protein function has been reported. The following publications have been ascertained in the context of this evaluation (PMID: 18470933, 7920640, 10447254, 30919937, 35615778, 38216115). ClinVar contains an entry for this variant (Variation ID: 1511660). Based on the evidence outlined above, the variant was classified as pathogenic.

Blueprint Genetics
Classification: Likely pathogenic for ERCC2-related disorders. Last evaluated: 2024-06-20. Review status: criteria provided, single submitter. Criteria: ACMG Guidelines, 2015. Collection method: clinical testing. Allele origin: germline. Affected: yes. Observed: 3 variant alleles.

Baylor Genetics
Classification: Pathogenic for Cerebrooculofacioskeletal syndrome 2. Last evaluated: 2023-07-08. Review status: criteria provided, single submitter. Criteria: ACMG Guidelines, 2015. Collection method: clinical testing. Allele origin: unknown.

Literature cited by the submitters: PubMed 7920640 (cited by 3 submitters); PubMed 18470933 (cited by Labcorp Genetics (formerly Invitae), Labcorp and Women's Health and Genetics/Laboratory Corporation of America, LabCorp); PubMed 35615778 (cited by Myriad Genetics, Inc. and Women's Health and Genetics/Laboratory Corporation of America, LabCorp); PubMed 39976384 (cited by Myriad Genetics, Inc.); PubMed 10447254 (cited by Women's Health and Genetics/Laboratory Corporation of America, LabCorp); PubMed 30919937 (cited by Women's Health and Genetics/Laboratory Corporation of America, LabCorp); PubMed 38216115 (cited by Women's Health and Genetics/Laboratory Corporation of America, LabCorp).

NM_000400.4(ERCC2):c.2190+1del

Gene: ERCC2 (ERCC excision repair 2, TFIIH core complex helicase subunit; minus strand). Cytogenetic location: 19q13.32.
Variant type: Deletion.
Coding change: c.2190+1del on transcript NM_000400.4 (MANE Select); the canonical splice donor site of the intron after coding-DNA position 2190, one base deleted (G; older notation c.2190+1delG).
Molecular consequence: splice donor variant.
Genome position (GRCh38, 1-based): chr19:45,352,208, C deleted on the plus strand (G on the coding strand, the reverse complement: ERCC2 is on the minus strand); the first of 3 consecutive C bases (chr19:45,352,208-45,352,210); deleting any one gives the same sequence. VCF-style (leftmost placement, unchanged base first): chr19-45352207-AC-A. GRCh37 (hg19) VCF-style: chr19-45855465-AC-A.
Other names: c.2190+1delG (NM_000400.4).
Identifiers: ClinVar variation 1511660 (VCV001511660.12), dbSNP rs1476160722, ClinGen allele CA633340440.
Genomic context (GRCh38, chr19:45,352,207, plus strand): 5'-GGGGACTTTCTGGAGGAGAAGCTCAGCCTGGGAGGGTGCCGGGAGGGGGACGCAGGCCTC[AC>A]CCGGTGGAAGGGCTGTGCCATCTGCCGCAGGAAGTACTTGGCCACCTGGACACCCTCGTC-3'